The following is an entry in ClinVar:

ClinVar aggregate classification (germline): Uncertain significance (1 of 4 stars; one submission).

Submission:

Mayo Clinic Laboratories, Mayo Clinic
Classification: Uncertain significance. Last evaluated: 2025-08-24. Review status: criteria provided, single submitter. Criteria: ACMG Guidelines, 2015. Collection method: clinical testing. Allele origin: germline. Observed: 1 variant allele.
Comment: BP4_moderate

NM_001698.3(AUH):c.91T>C (p.Cys31Arg)

Genes: AUH (AU RNA binding methylglutaconyl-CoA hydratase; minus strand), LOC130002059 (ATAC-STARR-seq lymphoblastoid silent region 20025; plus strand). Cytogenetic location: 9q22.31.
Variant type: single nucleotide variant.
Coding change: c.91T>C on transcript NM_001698.3 (MANE Select); coding-DNA position 91, T replaced by C.
Protein change: p.Cys31Arg; replaces cysteine 31 with arginine.
Molecular consequence: missense variant. On other transcripts: 5 prime UTR variant (3).
Genome position (GRCh38, 1-based): chr9:91,361,799, A>G on the plus strand (T>C on the coding strand, the complement: AUH is on the minus strand). VCF-style: chr9-91361799-A-G. GRCh37 (hg19) VCF-style: chr9-94124081-A-G.
Other names: p.Cys31Arg; c.91T>C, p.Cys31Arg (NM_001306190.2); c.-307T>C (NM_001351431.2, NM_001351433.2); c.-399T>C (NM_001351432.2); short protein forms C31R.
Identifiers: ClinVar variation 4541453 (VCV004541453.1).